The following is an entry in ClinVar:

ClinVar aggregate classification (germline): Pathogenic/Likely pathogenic. Review status: criteria provided, multiple submitters, no conflicts (2 of 4 stars). 3 submissions from 3 submitters: Pathogenic (1); Likely pathogenic (1). 1 of the submissions does not count toward it. Last evaluated 2022-03-15.

Conditions:
Gastric cancer. Also called: Stomach cancer; Malignant tumor of stomach. Identifiers: MedGen C0024623, MeSH D013274, MONDO:0001056, OMIM 613659, HP:0012126.
Neurofibromatosis, type 1 (NF1). Also called: Neurofibromatosis, type I; NEUROFIBROMATOSIS, TYPE I, SOMATIC; Peripheral type neurofibromatosis; VON RECKLINGHAUSEN DISEASE. Identifiers: Orphanet 636, MedGen C0027831, MONDO:0018975, OMIM 162200. Disease mechanism: loss of function.

Submissions (3):

Labcorp Genetics (formerly Invitae), Labcorp
Classification: Pathogenic for Neurofibromatosis, type 1. Last evaluated: 2022-03-15. Review status: criteria provided, single submitter. Criteria: Invitae Variant Classification Sherloc (09022015). Collection method: clinical testing. Allele origin: germline.
Comment: Disruption of this splice site has been observed in individuals with neurofibromatosis type 1 (PMID: 10712197; Invitae). For these reasons, this variant has been classified as Pathogenic. Algorithms developed to predict the effect of sequence changes on RNA splicing suggest that this variant may disrupt the consensus splice site. ClinVar contains an entry for this variant (Variation ID: 864398). This variant is not present in population databases (gnomAD no frequency). This sequence change affects a donor splice site in intron 33 of the NF1 gene. It is expected to disrupt RNA splicing. Variants that disrupt the donor or acceptor splice site typically lead to a loss of protein function (PMID: 16199547), and loss-of-function variants in NF1 are known to be pathogenic (PMID: 10712197, 23913538).

Molecular Genetics Department, Kulakov National Medical Research Center for Obstetrics, Gynecology and Perinatology
Classification: Likely pathogenic for Neurofibromatosis, type 1. Review status: criteria provided, single submitter. Criteria: ACMG Guidelines, 2015. Collection method: clinical testing. Allele origin: germline. Affected: yes.
Comment: A previously undescribed nucleotide variant creates an alteration of the canonical splice site c.4577+2T>G in the NF1 gene. Loss-of-function variants are reported in patients with Neurofibromatosis, type 1, 162200. The variant is not present in population database (gnomAD no frequency). In summary, the currently available evidence indicates that the variant is pathogenic, but additional data are needed to prove that conclusively. Therefore, this variant has been classified as likely pathogenic.

Laboratory for Genotyping Development, RIKEN
Classification: Pathogenic for Gastric cancer. Last evaluated: 2021-07-01. Review status: no assertion criteria provided. Collection method: research. Allele origin: germline. Not counted in ClinVar's aggregate classification.

Literature cited by the submitters: PubMed 10712197 (cited by Labcorp Genetics (formerly Invitae), Labcorp); PubMed 16199547 (cited by Labcorp Genetics (formerly Invitae), Labcorp); PubMed 23913538 (cited by Labcorp Genetics (formerly Invitae), Labcorp); PubMed 36988593 (cited by Laboratory for Genotyping Development, RIKEN).

NM_001042492.3(NF1):c.4577+2T>G

Gene: NF1 (neurofibromin 1; plus strand). Cytogenetic location: 17q11.2.
Variant type: single nucleotide variant.
Coding change: c.4577+2T>G on transcript NM_001042492.3 (MANE Select); the canonical splice donor site of the intron after coding-DNA position 4577, T replaced by G.
Molecular consequence: splice donor variant.
Genome position (GRCh38, 1-based): chr17:31,260,517, T>G. VCF-style: chr17-31260517-T-G. GRCh37 (hg19) VCF-style: chr17-29587535-T-G.
Other names: c.4514+2T>G (NM_000267.4).
Identifiers: ClinVar variation 864398 (VCV000864398.24), dbSNP rs1597747184, ClinGen allele CA399000000.